The following is an entry in ClinVar:

ClinVar aggregate classification (germline): Uncertain significance (1 of 4 stars; one submission).

Conditions:
Autosomal dominant limb-girdle muscular dystrophy type 1G (LGMDD3). Also called: Limb-girdle muscular dystrophy, type 1G; MUSCULAR DYSTROPHY, LIMB-GIRDLE, AUTOSOMAL DOMINANT 3. Identifiers: Orphanet 55596, MedGen C1836765, MONDO:0012193, OMIM 609115.

Allele frequency attached by ClinVar (database versions not stated): gnomAD 0.00001; gnomAD exomes 0.00001; TOPMed 0.00001.
gnomAD v4.1: 13 of 1,614,024 alleles (0.00081%); highest among the groups gnomAD compares: African/African-American, 0.0013%; no homozygotes.

Submission:

Labcorp Genetics (formerly Invitae), Labcorp
Classification: Uncertain significance for Autosomal dominant limb-girdle muscular dystrophy type 1G. Last evaluated: 2025-06-04. Review status: criteria provided, single submitter. Criteria: Invitae Variant Classification Sherloc (09022015). Collection method: clinical testing. Allele origin: germline.
Comment: This sequence change replaces isoleucine, which is neutral and non-polar, with valine, which is neutral and non-polar, at codon 249 of the HNRNPDL protein (p.Ile249Val). This variant is not present in population databases (gnomAD no frequency). This variant has not been reported in the literature in individuals affected with HNRNPDL-related conditions. ClinVar contains an entry for this variant (Variation ID: 1525058). An algorithm developed to predict the effect of missense changes on protein structure and function (PolyPhen-2) suggests that this variant is likely to be tolerated. In summary, the available evidence is currently insufficient to determine the role of this variant in disease. Therefore, it has been classified as a Variant of Uncertain Significance.

NM_031372.4(HNRNPDL):c.745A>G (p.Ile249Val)

Gene: HNRNPDL (heterogeneous nuclear ribonucleoprotein D like; minus strand). Cytogenetic location: 4q21.22.
Variant type: single nucleotide variant.
Coding change: c.745A>G on transcript NM_031372.4 (MANE Select); coding-DNA position 745, A replaced by G.
Protein change: p.Ile249Val; replaces isoleucine 249 with valine.
Molecular consequence: missense variant. On other transcripts: non-coding transcript variant (1).
Genome position (GRCh38, 1-based): chr4:82,428,047, T>C on the plus strand (A>G on the coding strand, the complement: HNRNPDL is on the minus strand). VCF-style: chr4-82428047-T-C. GRCh37 (hg19) VCF-style: chr4-83349200-T-C.
Other names: c.745A>G, p.Ile249Val (NM_001207000.1); short protein forms I249V.
Identifiers: ClinVar variation 1525058 (VCV001525058.6), dbSNP rs1416839611, ClinGen allele CA357170527.